The following is an entry in ClinVar:

ClinVar aggregate classification (germline): Likely benign (0 of 4 stars; one submission).

Conditions:
RPS10-related disorder. Also called: RPS10-related condition.

Submission:

PreventionGenetics, part of Exact Sciences
Classification: Likely benign for RPS10-related condition. Last evaluated: 2022-08-01. Review status: no assertion criteria provided. Collection method: clinical testing. Allele origin: germline.
Comment: This variant is classified as likely benign based on ACMG/AMP sequence variant interpretation guidelines (Richards et al. 2015 PMID: 25741868, with internal and published modifications).

NM_001014.5(RPS10):c.150+8G>T

Genes: RPS10 (ribosomal protein S10; minus strand), RPS10-NUDT3 (RPS10-NUDT3 readthrough; minus strand). Cytogenetic location: 6p21.31.
Variant type: single nucleotide variant.
Coding change: c.150+8G>T on transcript NM_001014.5 (MANE Select); 8 bases into the intron after coding-DNA position 150, G replaced by T.
Molecular consequence: intron variant.
Genome position (GRCh38, 1-based): chr6:34,425,064, C>A on the plus strand (G>T on the coding strand, the complement: RPS10 is on the minus strand). VCF-style: chr6-34425064-C-A. GRCh37 (hg19) VCF-style: chr6-34392841-C-A.
Other names: c.150+8G>T (NM_001202470.3, NM_001204091.2, NM_001203245.3).
Identifiers: ClinVar variation 3050583 (VCV003050583.2), dbSNP rs1765908962, ClinGen allele CA2740091324.